The following is an entry in ClinVar:

NM_001166108.2(PALLD):c.1965-12681T>A

Gene: PALLD (palladin, cytoskeletal associated protein; plus strand). Cytogenetic location: 4q32.3.
Variant type: single nucleotide variant.
Coding change: c.1965-12681T>A on transcript NM_001166108.2 (MANE Select); 12681 bases into the intron before coding-DNA position 1965, T replaced by A.
Molecular consequence: intron variant. On other transcripts: missense variant (1).
Genome position (GRCh38, 1-based): chr4:168,878,241, T>A. VCF-style: chr4-168878241-T-A. GRCh37 (hg19) VCF-style: chr4-169799392-T-A.
Other names: c.350T>A, p.Leu117His (NM_001166110.2); c.1965-12681T>A (NM_016081.4); c.819-12681T>A (NM_001166109.2); c.-157-12681T>A (NM_001367570.1, NM_001367568.1, NM_001367567.1 and 1 more transcripts); short protein forms L117H.
Identifiers: ClinVar variation 4130429 (VCV004130429.1).

ClinVar aggregate classification (germline): Uncertain significance (1 of 4 stars; one submission).

Submission:

Ambry Genetics
Classification: Uncertain significance. Last evaluated: 2025-08-07. Review status: criteria provided, single submitter. Criteria: Ambry Variant Classification Scheme 2023. Collection method: clinical testing. Allele origin: germline.
Comment: The p.L117H variant (also known as c.350T>A), located in coding exon 1 of the PALLD gene, results from a T to A substitution at nucleotide position 350. The leucine at codon 117 is replaced by histidine, an amino acid with similar properties. This amino acid position is conserved. In addition, this alteration is predicted to be tolerated by in silico analysis. Based on the available evidence, the clinical significance of this variant remains unclear.